The following is an entry in ClinVar:

NM_000260.4(MYO7A):c.3616G>A (p.Glu1206Lys)

Gene: MYO7A (myosin VIIA; plus strand). Cytogenetic location: 11q13.5.
Variant type: single nucleotide variant.
Coding change: c.3616G>A on transcript NM_000260.4 (MANE Select); coding-DNA position 3616, G replaced by A.
Protein change: p.Glu1206Lys; replaces glutamic acid 1206 with lysine.
Molecular consequence: missense variant.
Genome position (GRCh38, 1-based): chr11:77,189,456, G>A. VCF-style: chr11-77189456-G-A. GRCh37 (hg19) VCF-style: chr11-76900501-G-A.
Other names: c.3616G>A, p.Glu1206Lys (NM_001127180.2); c.3583G>A, p.Glu1195Lys (NM_001369365.1); short protein forms E1195K, E1206K.
Identifiers: ClinVar variation 838888 (VCV000838888.10), dbSNP rs201729482, ClinGen allele CA6198128.
Genomic context (GRCh38, chr11:77,189,456, plus strand): 5'-AGCAGCTATGCCCGGGGCTGGATTCTCGTGTCTCTCTGCGTGGGCTGTTTCGCCCCCTCC[G>A]AGAAGTTTGTCAAGGTAGGAAGGTGCCTGGCCTCCTGGAGTGGGAAGGGGAGCTAGGCCC-3'
Protein context (NP_000251.3, residues 1196-1216): SLCVGCFAPS[Glu1206Lys]KFVKYLRNFI

ClinVar aggregate classification (germline): Uncertain significance. Review status: criteria provided, multiple submitters, no conflicts (2 of 4 stars). 4 submissions from 4 submitters: Uncertain significance (3). 1 of the submissions does not count toward it. Last evaluated 2025-08-11.

Conditions:
Inborn genetic diseases. Identifiers: MedGen C0950123, MeSH D030342.
Usher syndrome type 1B (USH1B). Also called: Usher syndrome type IB. Identifiers: MedGen C1848638, MONDO:0700087.

Allele frequency attached by ClinVar (database versions not stated): gnomAD 0.00001; TOPMed 0.00001; gnomAD exomes 0.00002; ExAC 0.00003.
gnomAD v4.1: 27 of 1,613,712 alleles (0.0017%); highest among the groups gnomAD compares: South Asian, 0.0099%; no homozygotes.

Submissions (4):

Ambry Genetics
Classification: Uncertain significance for Inborn genetic diseases. Last evaluated: 2025-08-11. Review status: criteria provided, single submitter. Criteria: Ambry Variant Classification Scheme 2023. Collection method: clinical testing. Allele origin: germline.

Labcorp Genetics (formerly Invitae), Labcorp
Classification: Uncertain significance. Last evaluated: 2025-03-07. Review status: criteria provided, single submitter. Criteria: Invitae Variant Classification Sherloc (09022015). Collection method: clinical testing. Allele origin: germline.
Comment: This sequence change replaces glutamic acid, which is acidic and polar, with lysine, which is basic and polar, at codon 1206 of the MYO7A protein (p.Glu1206Lys). This variant is present in population databases (rs201729482, gnomAD 0.01%). This missense change has been observed in individual(s) with clinical features of MYO7A-related conditions (internal data). ClinVar contains an entry for this variant (Variation ID: 838888). Invitae Evidence Modeling of protein sequence and biophysical properties (such as structural, functional, and spatial information, amino acid conservation, physicochemical variation, residue mobility, and thermodynamic stability) indicates that this missense variant is not expected to disrupt MYO7A protein function with a negative predictive value of 95%. In summary, the available evidence is currently insufficient to determine the role of this variant in disease. Therefore, it has been classified as a Variant of Uncertain Significance.

Blueprint Genetics
Classification: Uncertain significance. Last evaluated: 2022-11-17. Review status: criteria provided, single submitter. Criteria: ACMG Guidelines, 2015. Collection method: clinical testing. Allele origin: germline.

Natera, Inc.
Classification: Uncertain significance for Usher syndrome type 1B. Last evaluated: 2021-02-01. Review status: no assertion criteria provided. Collection method: clinical testing. Allele origin: germline. Not counted in ClinVar's aggregate classification.